The following is an entry in ClinVar:

NC_000003.11:g.(?_52433063)_(52439938_?)dup

Genes: BAP1 (BRCA1 associated deubiquitinase 1; minus strand), DNAH1 (dynein axonemal heavy chain 1; plus strand). Cytogenetic location: 3p21.1.
Variant type: Duplication.
Identifiers: ClinVar variation 1411271 (VCV001411271.1).

ClinVar aggregate classification (germline): Uncertain significance (1 of 4 stars; one submission).

Conditions:
BAP1-related tumor predisposition syndrome (TPDS1). Also called: BAP1 tumor predisposition syndrome; Tumor susceptibility linked to germline BAP1 mutations; TUMOR PREDISPOSITION SYNDROME 1; COMMON Syndrome. Identifiers: Orphanet 289539, MedGen C3280492, MONDO:0013692, OMIM 614327.

Submission:

Labcorp Genetics (formerly Invitae), Labcorp
Classification: Uncertain significance for BAP1-related tumor predisposition syndrome. Last evaluated: 2021-08-19. Review status: criteria provided, single submitter. Criteria: Invitae Variant Classification Sherloc (09022015). Collection method: clinical testing. Allele origin: germline.
Comment: This variant results in a copy number gain of the genomic region encompassing exon(s) 10-17 of the BAP1 gene. The 5' boundary is likely confined to intron 9. The 3' end of this event is unknown as it extends beyond the assayed region for this gene and therefore may encompass additional genes. As the precise location of this event is unknown, it may be in tandem or it may be located elsewhere in the genome. This variant has not been reported in the literature in individuals with BAP1-related conditions. Experimental studies and prediction algorithms are not available or were not evaluated, and the functional significance of this variant is currently unknown. In summary, the available evidence is currently insufficient to determine the role of this variant in disease. Therefore, it has been classified as a Variant of Uncertain Significance.